The following is an entry in ClinVar:

NM_000064.4(C3):c.535T>C (p.Ser179Pro)

Gene: C3 (complement C3; minus strand). Cytogenetic location: 19p13.3.
Variant type: single nucleotide variant.
Coding change: c.535T>C on transcript NM_000064.4 (MANE Select); coding-DNA position 535, T replaced by C.
Protein change: p.Ser179Pro; replaces serine 179 with proline.
Molecular consequence: missense variant.
Genome position (GRCh38, 1-based): chr19:6,714,416, A>G on the plus strand (T>C on the coding strand, the complement: C3 is on the minus strand). VCF-style: chr19-6714416-A-G. GRCh37 (hg19) VCF-style: chr19-6714427-A-G.
Other names: short protein forms S179P.
Identifiers: ClinVar variation 4280269 (VCV004280269.2).
Genomic context (GRCh38, chr19:6,714,416, plus strand): 5'-CGAGTTCCGGAATGTCCCAAGACAAGGGCAAGACGCCAAGCTGGTTCTGAGAAGACAAGG[A>G]GTCCTGCTTGACCGGGATGCCTTCCGGGTTCTGTGGGAGGCAGGAGGGAAGGATAGAGGA-3'
Protein context (NP_000055.2, residues 169-189): NPEGIPVKQD[Ser179Pro]LSSQNQLGVL

ClinVar aggregate classification (germline): Likely pathogenic (1 of 4 stars; one submission).

Conditions:
Atypical hemolytic-uremic syndrome. Identifiers: Orphanet 2134, MedGen C2931788, MONDO:0016244.

Submission:

Genomenon, Inc
Classification: Likely pathogenic for Atypical hemolytic-uremic syndrome. Last evaluated: 2026-09-17. Review status: criteria provided, single submitter. Criteria: Genomenon Sequence Variant Interpretation Standards - Updated. Collection method: curation. Allele origin: germline. Affected: yes.
Comment: C3 p.Ser179Pro (c.535T>C) is a missense variant that changes the amino acid at codon 179 from Serine to Proline. This variant has been observed in at least one proband affected with atypical hemolytic-uremic syndrome (PMID:27784126;32765494;30039480;29511899). A de novo occurrence of this variant has been observed in at least one affected individual (PMID:32765494). Functional studies have been reported (PMID:32765494). It is absent or not present at a significant frequency in gnomAD. In silico models predict that this variant is not damaging. In conclusion, we classify C3 p.Ser179Pro (c.535T>C) as a likely pathogenic variant.

Literature cited by the submitters: PubMed 27784126; PubMed 32765494; PubMed 30039480; PubMed 29511899.